The following is an entry in ClinVar:

ClinVar aggregate classification (germline): Pathogenic. Review status: criteria provided, multiple submitters, no conflicts (2 of 4 stars). 2 submissions from 2 submitters: Pathogenic (2). Last evaluated 2026-09-03.

Conditions:
PKD1-related disorder. Also called: PKD1-related condition.
Polycystic kidney disease, adult type (PKD1). Also called: Polycystic Kidney Disease 1, Autosomal Dominant; Polycystic kidney disease 1; Polycystic kidney disease 1, severe; Polycystic Kidney, Autosomal Dominant; POLYCYSTIC KIDNEY DISEASE, ADULT, TYPE I; POLYCYSTIC KIDNEY DISEASE 1 WITH OR WITHOUT POLYCYSTIC LIVER DISEASE. Identifiers: MedGen C3149841, MONDO:0008263, OMIM 173900.

Submissions (2):

PreventionGenetics, part of Exact Sciences
Classification: Pathogenic for PKD1-related condition. Last evaluated: 2026-09-03. Review status: criteria provided, single submitter. Criteria: ACMG Guidelines, 2015. Collection method: clinical testing. Allele origin: germline.
Comment: The PKD1 c.8457_8458delCA variant is predicted to result in premature protein termination (p.Ser2820*). To our knowledge, this variant has not been reported in the literature or in a large population database (gnomAD), indicating this variant is rare. Nonsense variants in PKD1 are expected to be pathogenic. This variant is interpreted as pathogenic.

Fulgent Genetics
Classification: Pathogenic for Polycystic kidney disease, adult type. Last evaluated: 2024-01-04. Review status: criteria provided, single submitter. Criteria: ACMG Guidelines, 2015. Collection method: clinical testing. Allele origin: germline.

NM_001009944.3(PKD1):c.8457_8458del (p.Leu2819_Ser2820insTer)

Gene: PKD1 (polycystin 1, transient receptor potential channel interacting; minus strand). Cytogenetic location: 16p13.3.
Variant type: Deletion.
Coding change: c.8457_8458del on transcript NM_001009944.3 (MANE Select); coding-DNA positions 8457 to 8458, 2 bases deleted (CA; older notation c.8457_8458delCA).
Protein change: p.Leu2819_Ser2820insTer.
Molecular consequence: frameshift variant.
Genome position (GRCh38, 1-based): chr16:2,103,599-2,103,600, TG deleted on the plus strand (CA on the coding strand, the reverse complement: PKD1 is on the minus strand). VCF-style (leftmost placement, unchanged base first): chr16-2103598-CTG-C. GRCh37 (hg19) VCF-style: chr16-2153599-CTG-C.
Other names: c.8457_8458del, p.Leu2819_Ser2820insTer (NM_000296.4).
Identifiers: ClinVar variation 3579177 (VCV003579177.2).